The following is an entry in ClinVar:

ClinVar aggregate classification (germline): Uncertain significance (1 of 4 stars; one submission).

Submission:

CeGaT Center for Human Genetics Tuebingen
Classification: Uncertain significance. Last evaluated: 2024-02-01. Review status: criteria provided, single submitter. Criteria: CeGaT Center For Human Genetics Tuebingen Variant Classification Criteria Version 2. Collection method: clinical testing. Allele origin: germline. Affected: yes. Observed: 1 variant allele.
Comment: EEF2: PM2, PS2:Supporting

NM_001961.4(EEF2):c.229C>G (p.Leu77Val)

Gene: EEF2 (eukaryotic translation elongation factor 2; minus strand). Cytogenetic location: 19p13.3.
Variant type: single nucleotide variant.
Coding change: c.229C>G on transcript NM_001961.4 (MANE Select); coding-DNA position 229, C replaced by G.
Protein change: p.Leu77Val; replaces leucine 77 with valine.
Molecular consequence: missense variant.
Genome position (GRCh38, 1-based): chr19:3,983,281, G>C on the plus strand (C>G on the coding strand, the complement: EEF2 is on the minus strand). VCF-style: chr19-3983281-G-C. GRCh37 (hg19) VCF-style: chr19-3983279-G-C.
Other names: short protein forms L77V.
Identifiers: ClinVar variation 3027159 (VCV003027159.22), dbSNP rs2512207087, ClinGen allele CA403395376.
Genomic context (GRCh38, chr19:3,983,281, plus strand): 5'-CGGCACCGTCCTTGCTCTGCTTGATGAAGTTCAAGTCATTCTCCGAGAGCTCGTAGAAGA[G>C]GGAGATGGCACTGATGGAGGGAGGGACTCGTCAGGGGGACAGGAGCCACACACCTGGCCC-3'
Protein context (NP_001952.1, residues 67-87): CITIKSTAIS[Leu77Val]FYELSENDLN